The following is an entry in ClinVar:

ClinVar aggregate classification (germline): Uncertain significance (1 of 4 stars; one submission).

Conditions:
Peroxisome biogenesis disorder 11A (Zellweger). Also called: Peroxisome biogenesis disorder 11A. Identifiers: Orphanet 912, MedGen C3554000, MONDO:0013949, OMIM 614883.

Allele frequency attached by ClinVar (database versions not stated): gnomAD exomes 0.00001 and 0.00003; gnomAD 0.00006 and 0.00007; TOPMed 0.00010; 1000 Genomes Project 0.00020; 1000 Genomes Project 30x 0.00031.
gnomAD v4.1: 18 of 1,550,418 alleles (0.0012%); highest among the groups gnomAD compares: African/African-American, 0.023%; no homozygotes.

Submission:

Labcorp Genetics (formerly Invitae), Labcorp
Classification: Uncertain significance for Peroxisome biogenesis disorder 11A (Zellweger). Last evaluated: 2022-06-13. Review status: criteria provided, single submitter. Criteria: Invitae Variant Classification Sherloc (09022015). Collection method: clinical testing. Allele origin: germline.
Comment: This sequence change replaces threonine, which is neutral and polar, with serine, which is neutral and polar, at codon 29 of the PEX13 protein (p.Thr29Ser). This variant is present in population databases (rs543856265, gnomAD 0.04%). This variant has not been reported in the literature in individuals affected with PEX13-related conditions. ClinVar contains an entry for this variant (Variation ID: 1040499). Algorithms developed to predict the effect of missense changes on protein structure and function output the following: SIFT: "Tolerated"; PolyPhen-2: "Benign"; Align-GVGD: "Class C0". The serine amino acid residue is found in multiple mammalian species, which suggests that this missense change does not adversely affect protein function. In summary, the available evidence is currently insufficient to determine the role of this variant in disease. Therefore, it has been classified as a Variant of Uncertain Significance.

NM_002618.4(PEX13):c.86C>G (p.Thr29Ser)

Genes: PEX13 (peroxisomal biogenesis factor 13; plus strand), PUS10 (pseudouridine synthase 10; minus strand). Cytogenetic location: 2p15.
Variant type: single nucleotide variant.
Coding change: c.86C>G on transcript NM_002618.4 (MANE Select); coding-DNA position 86, C replaced by G.
Protein change: p.Thr29Ser; replaces threonine 29 with serine.
Molecular consequence: missense variant. On other transcripts: intron variant (2).
Genome position (GRCh38, 1-based): chr2:61,017,845, C>G. VCF-style: chr2-61017845-C-G. GRCh37 (hg19) VCF-style: chr2-61244980-C-G.
Other names: c.-16+163G>C (NM_144709.4); c.-623+163G>C (NM_001322127.1); short protein forms T29S.
Identifiers: ClinVar variation 1040499 (VCV001040499.6), dbSNP rs543856265, ClinGen allele CA48328254.